The following is an entry in ClinVar:

ClinVar aggregate classification (germline): Benign. Review status: criteria provided, multiple submitters, no conflicts (2 of 4 stars). 3 submissions from 3 submitters: Benign (2). 1 of the submissions does not count toward it. Last evaluated 2026-05-11.

Conditions:
RREB1-related disorder. Also called: RREB1-related condition.

Allele frequency attached by ClinVar (database versions not stated): ESP Exome Variant Server 0.00092; TOPMed 0.00113; 1000 Genomes Project 30x 0.00109; ExAC 0.00041; 1000 Genomes Project 0.00140.
gnomAD v4.1: 321 of 1,614,198 alleles (0.02%); highest among the groups gnomAD compares: African/African-American, 0.33%; 4 homozygotes.

Submissions (3):

Women's Health and Genetics/Laboratory Corporation of America, LabCorp
Classification: Benign. Last evaluated: 2026-05-11. Review status: criteria provided, single submitter. Criteria: LabCorp Variant Classification Summary - May 2015. Collection method: clinical testing. Allele origin: germline.

Labcorp Genetics (formerly Invitae), Labcorp
Classification: Benign. Last evaluated: 2018-01-02. Review status: criteria provided, single submitter. Criteria: Invitae Variant Classification Sherloc (09022015). Collection method: clinical testing. Allele origin: germline.

PreventionGenetics, part of Exact Sciences
Classification: Likely benign for RREB1-related condition. Last evaluated: 2020-02-26. Review status: no assertion criteria provided. Collection method: clinical testing. Allele origin: germline. Not counted in ClinVar's aggregate classification.
Comment: This variant is classified as likely benign based on ACMG/AMP sequence variant interpretation guidelines (Richards et al. 2015 PMID: 25741868, with internal and published modifications).

NM_001003699.4(RREB1):c.1212C>T (p.Pro404=)

Gene: RREB1 (ras responsive element binding protein 1; plus strand). Cytogenetic location: 6p24.3.
Variant type: single nucleotide variant.
Coding change: c.1212C>T on transcript NM_001003699.4 (MANE Select); coding-DNA position 1212, C replaced by T.
Protein change: p.Pro404=; no amino-acid change (proline 404 retained).
Molecular consequence: synonymous variant.
Genome position (GRCh38, 1-based): chr6:7,229,311, C>T. VCF-style: chr6-7229311-C-T. GRCh37 (hg19) VCF-style: chr6-7229544-C-T.
Other names: c.1212C>T, p.Pro404= (NM_001003698.4, NM_001003700.2, NM_001168344.2).
Identifiers: ClinVar variation 746602 (VCV000746602.6), dbSNP rs142150270, ClinGen allele CA3625485.